The following is an entry in ClinVar:

ClinVar aggregate classification (germline): Uncertain significance (1 of 4 stars; one submission).

Conditions:
Primary ciliary dyskinesia. Also called: Ciliary dyskinesia. Identifiers: Orphanet 244, MedGen C0008780, MONDO:0016575, HP:0012265.

Allele frequency attached by ClinVar (database versions not stated): gnomAD exomes below 0.00001; gnomAD 0.00001; TOPMed 0.00001.
gnomAD v4.1: 3 of 1,614,090 alleles (0.00019%); highest among the groups gnomAD compares: Non-Finnish European, 0.00025%; no homozygotes.

Submission:

Ambry Genetics
Classification: Uncertain significance for Primary ciliary dyskinesia. Last evaluated: 2015-09-21. Review status: criteria provided, single submitter. Criteria: Ambry Variant Classification Scheme 2023. Collection method: clinical testing. Allele origin: germline.
Comment: The p.K243T variant (also known as c.728A>C), located in coding exon 9 of the DNAI1 gene, results from an A to C substitution at nucleotide position 728. The lysine at codon 243 is replaced by threonine, an amino acid with similar properties. This variant was not reported in population based cohorts in the following databases: Database of Single Nucleotide Polymorphisms (dbSNP), NHLBI Exome Sequencing Project (ESP), and 1000 Genomes Project. In the ESP, this variant was not observed in 6503 samples (13006 alleles) with coverage at this position. This amino acid position is highly conserved in available vertebrate species. In addition, the in silico prediction for this alteration is inconclusive. Since clinical data on this variant is limited at this time, its clinical significance is unclear.

NM_012144.4(DNAI1):c.728A>C (p.Lys243Thr)

Gene: DNAI1 (dynein axonemal intermediate chain 1; plus strand). Cytogenetic location: 9p13.3.
Variant type: single nucleotide variant.
Coding change: c.728A>C on transcript NM_012144.4 (MANE Select); coding-DNA position 728, A replaced by C.
Protein change: p.Lys243Thr; replaces lysine 243 with threonine.
Molecular consequence: missense variant.
Genome position (GRCh38, 1-based): chr9:34,493,240, A>C. VCF-style: chr9-34493240-A-C. GRCh37 (hg19) VCF-style: chr9-34493238-A-C.
Other names: c.740A>C, p.Lys247Thr (NM_001281428.2); short protein forms K247T, K243T.
Identifiers: ClinVar variation 1758089 (VCV001758089.2), dbSNP rs1824645344, ClinGen allele CA373249123.